The following is an entry in ClinVar:

ClinVar aggregate classification (germline): Pathogenic/Likely pathogenic. Review status: criteria provided, multiple submitters, no conflicts (2 of 4 stars). 7 submissions from 7 submitters: Pathogenic (2); Likely pathogenic (4). 1 of the submissions does not count toward it. Last evaluated 2026-02-11.

Conditions:
NPHS1-related disorder. Also called: NPHS1-related condition.
Finnish congenital nephrotic syndrome (NPHS1). Also called: NEPHROTIC SYNDROME, TYPE 1. Identifiers: Orphanet 839, MedGen C0403399, MONDO:0009732, OMIM 256300.

Allele frequency attached by ClinVar (database versions not stated): TOPMed 0.00002; gnomAD 0.00004; gnomAD exomes 0.00005 and 0.00006; ExAC 0.00008.

Submissions (7):

PreventionGenetics, part of Exact Sciences
Classification: Pathogenic for NPHS1-related condition. Last evaluated: 2026-02-11. Review status: criteria provided, single submitter. Criteria: ACMG Guidelines, 2015. Collection method: clinical testing. Allele origin: germline.
Comment: The NPHS1 c.3548dupA variant is predicted to result in premature protein termination (p.Tyr1183*). To our knowledge, this variant has not been reported in the literature. This variant is reported in 0.012% of alleles in individuals of European (Non-Finnish) descent in gnomAD. Nonsense variants in NPHS1 are expected to be pathogenic. This variant is interpreted as pathogenic.

Labcorp Genetics (formerly Invitae), Labcorp
Classification: Pathogenic. Last evaluated: 2025-12-11. Review status: criteria provided, single submitter. Criteria: Invitae Variant Classification Sherloc (09022015). Collection method: clinical testing. Allele origin: germline.
Comment: This sequence change creates a premature translational stop signal (p.Tyr1183*) in the NPHS1 gene. It is expected to result in an absent or disrupted protein product. Loss-of-function variants in NPHS1 are known to be pathogenic (PMID: 11317351, 11854170, 12039988). This variant is present in population databases (rs756436580, gnomAD 0.01%). This variant has not been reported in the literature in individuals affected with NPHS1-related conditions. ClinVar contains an entry for this variant (Variation ID: 554827). Algorithms developed to predict the effect of sequence changes on RNA splicing suggest that this variant may disrupt the consensus splice site. For these reasons, this variant has been classified as Pathogenic.

Natera, Inc.
Classification: Likely pathogenic for Finnish congenital nephrotic syndrome. Last evaluated: 2025-10-09. Review status: criteria provided, single submitter. Criteria: Natera Variant Classification Schema (03/2026). Collection method: clinical testing. Allele origin: germline.
Comment: The c.3548dupA variant in NPHS1 is a frameshift variant predicted to shift the reading frame and introduce a stop codon. This variant is expected to result in nonsense mediated decay, truncation, or a dysfunctional protein product. This variant is rare in the general population with a frequency below the threshold expected for the associated phenotype(s). Given the available evidence, this variant is classified as Likely Pathogenic.

Blueprint Genetics
Classification: Likely pathogenic for NPHS1-related disorders. Last evaluated: 2024-03-07. Review status: criteria provided, single submitter. Criteria: ACMG Guidelines, 2015. Collection method: clinical testing. Allele origin: germline. Affected: yes. Observed: 2 variant alleles.

Women's Health and Genetics/Laboratory Corporation of America, LabCorp
Classification: Likely pathogenic for Finnish congenital nephrotic syndrome. Last evaluated: 2023-02-03. Review status: criteria provided, single submitter. Criteria: LabCorp Variant Classification Summary - May 2015. Collection method: clinical testing. Allele origin: germline.
Comment: Variant summary: NPHS1 c.3548dupA (p.Tyr1183X) results in a premature termination codon, predicted to cause a truncation of the encoded protein or absence of the protein due to nonsense mediated decay, which are commonly known mechanisms for disease. Truncations downstream of this position have been in affected individuals (HGMD). In addition, another variant (c.3549C>A, p.Tyr1183X) has been classified as likely pathogenic/pathogenic in our lab and other ClinVar labs. The variant allele was found at a frequency of 5.2e-05 in 251472 control chromosomes (gnomAD). To our knowledge, no occurrence of c.3548dupA in individuals affected with Nephrotic Syndrome, Type 1 and no experimental evidence demonstrating its impact on protein function have been reported. Three ClinVar submitters (evaluation after 2014) cite this variant as pathogenic (n=1) and likely pathogenic (n=2). Based on the evidence outlined above, the variant was classified as likely pathogenic.

Fulgent Genetics
Classification: Likely pathogenic for Finnish congenital nephrotic syndrome. Last evaluated: 2022-04-08. Review status: criteria provided, single submitter. Criteria: ACMG Guidelines, 2015. Collection method: clinical testing. Allele origin: unknown.

Counsyl
Classification: Likely pathogenic for Finnish congenital nephrotic syndrome. Last evaluated: 2017-11-07. Review status: no assertion criteria provided. Collection method: clinical testing. Allele origin: unknown. Not counted in ClinVar's aggregate classification.

Literature cited by the submitters: PubMed 11317351 (cited by Labcorp Genetics (formerly Invitae), Labcorp); PubMed 11854170 (cited by Labcorp Genetics (formerly Invitae), Labcorp); PubMed 12039988 (cited by Labcorp Genetics (formerly Invitae), Labcorp); PubMed 18503012 (cited by Counsyl); PubMed 11562357 (cited by Counsyl); PubMed 21415313 (cited by Counsyl).

NM_004646.4(NPHS1):c.3548dup (p.Tyr1183Ter)

Gene: NPHS1 (NPHS1 adhesion molecule, nephrin; minus strand). Cytogenetic location: 19q13.12.
Variant type: Duplication.
Coding change: c.3548dup on transcript NM_004646.4 (MANE Select); coding-DNA position 3548, one base duplicated (A; older notation c.3548dupA).
Protein change: p.Tyr1183Ter; replaces tyrosine 1183 with a stop codon.
Molecular consequence: nonsense.
Genome position (GRCh38, 1-based): chr19:35,830,890, T duplicated on the plus strand (A on the coding strand, the reverse complement: NPHS1 is on the minus strand). VCF-style (leftmost placement, unchanged base first): chr19-35830889-G-GT. GRCh37 (hg19) VCF-style: chr19-36321791-G-GT.
Other names: c.3548dupA (NM_004646.3); short protein forms Y1183*.
Identifiers: ClinVar variation 554827 (VCV000554827.17), dbSNP rs756436580, ClinGen allele CA9389718.
Genomic context (GRCh38, chr19:35,830,889, plus strand): 5'-TGCAAAGCTTCTCACCATCTGCACTTCATCGTAGAGGGGTCCCCAGGCTCCAGACGGGGG[G>GT]TACGTTCTTTCTACCTCATCATACAAGTGCCCAGGGAAGGCCATATCCTCATCTTCACCT-3'